The following is an entry in ClinVar:

NM_000421.5(KRT10):c.1632C>A (p.Gly544=)

Gene: KRT10 (keratin 10; minus strand). Cytogenetic location: 17q21.2.
Variant type: single nucleotide variant.
Coding change: c.1632C>A on transcript NM_000421.5 (MANE Select); coding-DNA position 1632, C replaced by A.
Protein change: p.Gly544=; no amino-acid change (glycine 544 retained).
Molecular consequence: synonymous variant.
Genome position (GRCh38, 1-based): chr17:40,818,903, G>T on the plus strand (C>A on the coding strand, the complement: KRT10 is on the minus strand). VCF-style: chr17-40818903-G-T. GRCh37 (hg19) VCF-style: chr17-38975155-G-T.
Other names: c.1632C>A, p.Gly544= (NM_001379366.1).
Identifiers: ClinVar variation 1335270 (VCV001335270.40), dbSNP rs368733857, ClinGen allele CA8547939.

ClinVar aggregate classification (germline): Benign/Likely benign. Review status: criteria provided, multiple submitters, no conflicts (2 of 4 stars). 3 submissions from 3 submitters: Benign (1); Likely benign (2). Last evaluated 2026-03-01.

Allele frequency attached by ClinVar (database versions not stated): 1000 Genomes Project 0.00160; ESP Exome Variant Server 0.00448.
gnomAD v4.1: 8,401 of 1,412,036 alleles (0.59%); highest among the groups gnomAD compares: Non-Finnish European, 0.61%; 123 homozygotes.

Submissions (3):

CeGaT Center for Human Genetics Tuebingen
Classification: Likely benign. Last evaluated: 2026-03-01. Review status: criteria provided, single submitter. Criteria: CeGaT Center For Human Genetics Tuebingen Variant Classification Criteria Version 2. Collection method: clinical testing. Allele origin: germline. Affected: yes. Observed: 5 variant alleles.
Comment: KRT10: BP4, BP7, BS2

Labcorp Genetics (formerly Invitae), Labcorp
Classification: Benign. Last evaluated: 2026-01-05. Review status: criteria provided, single submitter. Criteria: Invitae Variant Classification Sherloc (09022015). Collection method: clinical testing. Allele origin: germline.

Breakthrough Genomics
Classification: Likely benign. Review status: criteria provided, single submitter. Criteria: ACMG Guidelines, 2015. Collection method: not provided. Allele origin: germline. Inheritance: Autosomal dominant inheritance. Affected: yes.